The following is an entry in ClinVar:

NM_052945.4(TNFRSF13C):c.122C>T (p.Pro41Leu)

Genes: TNFRSF13C (TNF receptor superfamily member 13C; minus strand), LOC130067574 (ATAC-STARR-seq lymphoblastoid silent region 13813; plus strand). Cytogenetic location: 22q13.2.
Variant type: single nucleotide variant.
Coding change: c.122C>T on transcript NM_052945.4 (MANE Select); coding-DNA position 122, C replaced by T.
Protein change: p.Pro41Leu; replaces proline 41 with leucine.
Molecular consequence: missense variant.
Genome position (GRCh38, 1-based): chr22:41,926,652, G>A on the plus strand (C>T on the coding strand, the complement: TNFRSF13C is on the minus strand). VCF-style: chr22-41926652-G-A. GRCh37 (hg19) VCF-style: chr22-42322656-G-A.
Other names: short protein forms P41L.
Identifiers: ClinVar variation 487212 (VCV000487212.9), dbSNP rs1556159000, ClinGen allele CA411763512.

ClinVar aggregate classification (germline): Uncertain significance (1 of 4 stars; one submission).

Conditions:
Immunodeficiency, common variable, 4. Also called: ANTIBODY DEFICIENCY DUE TO BAFFR DEFECT. Identifiers: Orphanet 1572, Orphanet 696925, MedGen C3150739, MONDO:0013284, OMIM 613494.

Allele frequency attached by ClinVar (database versions not stated): gnomAD exomes 0.00001.

Submission:

Labcorp Genetics (formerly Invitae), Labcorp
Classification: Uncertain significance for Immunodeficiency, common variable, 4. Last evaluated: 2017-06-02. Review status: criteria provided, single submitter. Criteria: Invitae Variant Classification Sherloc (09022015). Collection method: clinical testing. Allele origin: germline.
Comment: This sequence change replaces proline with leucine at codon 41 of the TNFRSF13C protein (p.Pro41Leu). The proline residue is highly conserved and there is a moderate physicochemical difference between proline and leucine. In summary, this variant has uncertain impact on TNFRSF13C function. The available evidence is currently insufficient to determine its role in disease. Therefore, it has been classified as a Variant of Uncertain Significance. Algorithms developed to predict the effect of missense changes on protein structure and function do not agree on the potential impact of this missense change (SIFT: "Deleterious"; PolyPhen-2: "Benign"; Align-GVGD: "Class C0"). This variant has not been reported in the literature in individuals with a TNFRSF13C-related disease. While this variant is not present in population databases, the frequency information is unreliable, as metrics indicate poor data quality at this position in the ExAC database.